The following is an entry in ClinVar:

ClinVar aggregate classification (germline): Uncertain significance (1 of 4 stars; one submission).

Conditions:
Cardiovascular phenotype. Identifiers: MedGen CN230736.

Submission:

Ambry Genetics
Classification: Uncertain significance for Cardiovascular phenotype. Last evaluated: 2021-08-22. Review status: criteria provided, single submitter. Criteria: Ambry Variant Classification Scheme 2023. Collection method: clinical testing. Allele origin: germline.
Comment: The p.Q591H variant (also known as c.1773A>T), located in coding exon 12 of the SCN10A gene, results from an A to T substitution at nucleotide position 1773. The glutamine at codon 591 is replaced by histidine, an amino acid with highly similar properties. This amino acid position is conserved. In addition, this alteration is predicted to be tolerated by in silico analysis. Since supporting evidence is limited at this time, the clinical significance of this alteration remains unclear.

NM_006514.4(SCN10A):c.1773A>T (p.Gln591His)

Gene: SCN10A (sodium voltage-gated channel alpha subunit 10; minus strand). Cytogenetic location: 3p22.2.
Variant type: single nucleotide variant.
Coding change: c.1773A>T on transcript NM_006514.4 (MANE Select); coding-DNA position 1773, A replaced by T.
Protein change: p.Gln591His; replaces glutamine 591 with histidine.
Molecular consequence: missense variant.
Genome position (GRCh38, 1-based): chr3:38,750,167, T>A on the plus strand (A>T on the coding strand, the complement: SCN10A is on the minus strand). VCF-style: chr3-38750167-T-A. GRCh37 (hg19) VCF-style: chr3-38791658-T-A.
Other names: c.1773A>T, p.Gln591His (NM_001293306.2); c.1479A>T, p.Gln493His (NM_001293307.2); short protein forms Q591H, Q493H.
Identifiers: ClinVar variation 1779827 (VCV001779827.2), dbSNP rs1171850152, ClinGen allele CA352166799.